The following is an entry in ClinVar:

ClinVar aggregate classification (germline): Uncertain significance (1 of 4 stars; one submission).

Submission:

GeneDx
Classification: Uncertain significance. Last evaluated: 2024-12-19. Review status: criteria provided, single submitter. Criteria: GeneDx Variant Classification Process June 2021. Collection method: clinical testing. Allele origin: germline. Affected: yes.
Comment: Not observed at significant frequency in large population cohorts (gnomAD); In silico analysis indicates that this missense variant does not alter protein structure/function; Has not been previously published as pathogenic or benign to our knowledge

NM_003491.4(NAA10):c.541G>A (p.Glu181Lys)

Gene: NAA10 (N-alpha-acetyltransferase 10, NatA catalytic subunit; minus strand). Cytogenetic location: Xq28.
Variant type: single nucleotide variant.
Coding change: c.541G>A on transcript NM_003491.4 (MANE Select); coding-DNA position 541, G replaced by A.
Protein change: p.Glu181Lys; replaces glutamic acid 181 with lysine.
Molecular consequence: missense variant.
Genome position (GRCh38, 1-based): chrX:153,930,154, C>T on the plus strand (G>A on the coding strand, the complement: NAA10 is on the minus strand). VCF-style: chrX-153930154-C-T. GRCh37 (hg19) VCF-style: chrX-153195607-C-T.
Other names: c.496G>A, p.Glu166Lys (NM_001256119.2); c.523G>A, p.Glu175Lys (NM_001256120.2); short protein forms E166K, E175K, E181K.
Identifiers: ClinVar variation 3906765 (VCV003906765.1).